The following is an entry in ClinVar:

NM_001084.5(PLOD3):c.1505T>C (p.Ile502Thr)

Gene: PLOD3 (procollagen-lysine,2-oxoglutarate 5-dioxygenase 3; minus strand). Cytogenetic location: 7q22.1.
Variant type: single nucleotide variant.
Coding change: c.1505T>C on transcript NM_001084.5 (MANE Select); coding-DNA position 1505, T replaced by C.
Protein change: p.Ile502Thr; replaces isoleucine 502 with threonine.
Molecular consequence: missense variant.
Genome position (GRCh38, 1-based): chr7:101,210,440, A>G on the plus strand (T>C on the coding strand, the complement: PLOD3 is on the minus strand). VCF-style: chr7-101210440-A-G. GRCh37 (hg19) VCF-style: chr7-100853721-A-G.
Other names: short protein forms I502T.
Identifiers: ClinVar variation 3347936 (VCV003347936.1).
Genomic context (GRCh38, chr7:101,210,440, plus strand): 5'-TCGTATCTGGAAGTGGCCAGGAGCCGGCCAAATTCATGCTGATTGCTCAGATGGAGGAAG[A>G]TGCCCTGTAGTGGGGTGGGGGTGTCCGTGATGCAGGCGATGCCTGGAGTCTGGGGGACTG-3'
Protein context (NP_001075.1, residues 492-512): AFCKSFRDKG[Ile502Thr]FLHLSNQHEF

ClinVar aggregate classification (germline): Uncertain significance (0 of 4 stars; one submission).

Conditions:
PLOD3-related disorder. Also called: PLOD3-related condition.

Submission:

PreventionGenetics, part of Exact Sciences
Classification: Uncertain significance for PLOD3-related condition. Last evaluated: 2024-07-31. Review status: no assertion criteria provided. Collection method: clinical testing. Allele origin: germline.
Comment: The PLOD3 c.1505T>C variant is predicted to result in the amino acid substitution p.Ile502Thr. To our knowledge, this variant has not been reported in the literature or in a large population database, indicating this variant is rare. At this time, the clinical significance of this variant is uncertain due to the absence of conclusive functional and genetic evidence.